The following is an entry in ClinVar:

NM_001042492.3(NF1):c.2850+1G>A

Gene: NF1 (neurofibromin 1; plus strand). Cytogenetic location: 17q11.2.
Variant type: single nucleotide variant.
Coding change: c.2850+1G>A on transcript NM_001042492.3 (MANE Select); the canonical splice donor site of the intron after coding-DNA position 2850, G replaced by A.
Molecular consequence: splice donor variant.
Genome position (GRCh38, 1-based): chr17:31,229,466, G>A. VCF-style: chr17-31229466-G-A. GRCh37 (hg19) VCF-style: chr17-29556484-G-A.
Other names: c.2850+1G>A (NM_001042492.2, NM_000267.4).
Identifiers: ClinVar variation 547617 (VCV000547617.16), dbSNP rs1131691122, ClinGen allele CA398985898.
Genomic context (GRCh38, chr17:31,229,466, plus strand): 5'-CCAATGCTATTTAACAAATTGAAGAATACCATCAGCAAGTTTTTTGACTCCCAAGGACAG[G>A]TAAAGTGTTCTCTTATTTTTCACCTTTCTCTATGAATAGAGTGACTTGTTTGAAATAAGC-3'

ClinVar aggregate classification (germline): Pathogenic. Review status: criteria provided, multiple submitters, no conflicts (2 of 4 stars). 8 submissions from 8 submitters: Pathogenic (8). Last evaluated 2025-08-08.

Conditions:
Neurofibromatosis, type 1 (NF1). Also called: NEUROFIBROMATOSIS, TYPE I, SOMATIC; VON RECKLINGHAUSEN DISEASE; Neurofibromatosis, type I; Peripheral type neurofibromatosis. Identifiers: Orphanet 636, MedGen C0027831, MONDO:0018975, OMIM 162200. Disease mechanism: loss of function.
Hereditary cancer-predisposing syndrome. Also called: Tumor predisposition; Hereditary neoplastic syndrome; Neoplastic Syndromes, Hereditary; Hereditary Cancer Syndrome. Identifiers: Orphanet 140162, MedGen C0027672, MeSH D009386, MONDO:0015356.
Cardiovascular phenotype. Identifiers: MedGen CN230736.

Allele frequency attached by ClinVar (database versions not stated): gnomAD exomes below 0.00001.
gnomAD v4.1: 1 of 1,613,182 alleles (0.000062%); highest among the groups gnomAD compares: Non-Finnish European, 0.000085%; no homozygotes.

Submissions (8):

Ambry Genetics
Classification: Pathogenic for Cardiovascular phenotype; Hereditary cancer-predisposing syndrome. Last evaluated: 2025-08-08. Review status: criteria provided, single submitter. Criteria: Ambry Variant Classification Scheme 2023. Collection method: clinical testing. Allele origin: germline.
Comment: The c.2850+1G>A intronic pathogenic mutation results from a G to A substitution one nucleotide after coding exon 21 of the NF1 gene. This variant was reported in individual(s) with features consistent with Neurofibromatosis type 1 (Pros E et al. Hum Mutat, 2008 Sep;29:E173-93; Giugliano T et al. Genes (Basel), 2019 Jul;10:;Seo GH et al. Clin Genet, 2020 Dec;98:562-570). This nucleotide position is highly conserved in available vertebrate species. In silico splice site analysis predicts that this alteration will weaken the native splice donor site. RNA studies have demonstrated that this alteration results in abnormal splicing in the set of samples tested (Ambry internal data). This variant is considered to be rare based on population cohorts in the Genome Aggregation Database (gnomAD). Alterations that disrupt the canonical splice site are expected to cause aberrant splicing, resulting in an abnormal protein or a transcript that is subject to nonsense-mediated mRNA decay. Based on the supporting evidence, this variant is interpreted as a disease-causing mutation.

3billion
Classification: Pathogenic for Neurofibromatosis, type 1. Last evaluated: 2025-08-03. Review status: criteria provided, single submitter. Criteria: ACMG Guidelines, 2015. Collection method: clinical testing. Allele origin: germline. Affected: yes.
Comment: The variant is observed at an extremely low frequency in the gnomAD v4.1.0 dataset (total allele frequency: <0.001%). Predicted Consequence/Location: Canonical splice site: predicted to alter splicing and result in a loss or disruption of normal protein function. Multiple pathogenic loss-of-function variants are reported downstream of the variant. In silico tools predict the variant to alter splicing and produce an abnormal transcript [SpliceAI: 0.99 (spliceogenicity >=0.2, non-spliceogenicity <0.1)]. The variant has been reported at least twice as pathogenic with clinical assertions and evidence for the classification (ClinVar ID: VCV000547617 /PMID: 12807981 /3billion dataset). Therefore, this variant is classified as Pathogenic according to the recommendation of ACMG/AMP guideline.

Labcorp Genetics (formerly Invitae), Labcorp
Classification: Pathogenic for Neurofibromatosis, type 1. Last evaluated: 2025-07-23. Review status: criteria provided, single submitter. Criteria: Invitae Variant Classification Sherloc (09022015). Collection method: clinical testing. Allele origin: germline.
Comment: This sequence change affects a donor splice site in intron 21 of the NF1 gene. RNA analysis indicates that disruption of this splice site induces altered splicing and may result in an absent or altered protein product. This variant is not present in population databases (gnomAD no frequency). Disruption of this splice site has been observed in individual(s) with clinical features of neurofibromatosis type 1 (PMID: 16944272, 18546366, 27999334, 31370276). Invitae Evidence Modeling of clinical and family history, age, sex, and reported ancestry of multiple individuals with this NF1 variant has been performed. This variant is expected to be pathogenic with a positive predictive value of at least 99%. This is a validated machine learning model that incorporates the clinical features of 1,785,918 individuals referred to our laboratory for NF1 testing. ClinVar contains an entry for this variant (Variation ID: 547617). Studies have shown that disruption of this splice site results in activation of a cryptic splice site, and produces a non-functional protein and/or introduces a premature termination codon (internal data). For these reasons, this variant has been classified as Pathogenic.

GeneDx
Classification: Pathogenic. Last evaluated: 2025-03-31. Review status: criteria provided, single submitter. Criteria: GeneDx Variant Classification Process June 2021. Collection method: clinical testing. Allele origin: germline. Affected: yes.
Comment: Canonical splice site variant predicted to result in an in-frame loss of the adjacent exon in a gene for which loss of function is a known mechanism of disease; Deletions involving coding exons of this gene are a known mechanism of disease (HGMD); Not observed at significant frequency in large population cohorts (gnomAD); This variant is associated with the following publications: (PMID: 12807981, 24789688, 27999334, 16944272, 18546366, 31370276, 32901917)

NHS Central & South Genomic Laboratory Hub
Classification: Pathogenic for Neurofibromatosis type 1. Last evaluated: 2024-11-11. Review status: criteria provided, single submitter. Criteria: ACMG Guidelines, 2015. Collection method: clinical testing. Allele origin: germline. Affected: yes.

Genome-Nilou Lab
Classification: Pathogenic for Neurofibromatosis, type 1. Last evaluated: 2022-03-15. Review status: criteria provided, single submitter. Criteria: ACMG Guidelines, 2015. Collection method: clinical testing. Allele origin: germline. Affected: no.

Clinical Molecular Genetics Laboratory, Johns Hopkins All Children's Hospital
Classification: Pathogenic for Neurofibromatosis, type 1. Last evaluated: 2019-04-02. Review status: criteria provided, single submitter. Criteria: ACMG Guidelines, 2015. Collection method: clinical testing. Allele origin: germline. Inheritance: Autosomal dominant inheritance. Affected: yes. Observed: 1 heterozygote.

Center for Human Genetics, Inc
Classification: Pathogenic for Neurofibromatosis, type 1. Last evaluated: 2016-11-01. Review status: criteria provided, single submitter. Criteria: ACMG Guidelines, 2015. Collection method: clinical testing. Allele origin: germline. Affected: yes.

Literature cited by the submitters: PubMed 18546366 (cited by Ambry Genetics and Labcorp Genetics (formerly Invitae), Labcorp); PubMed 31370276 (cited by Ambry Genetics and Labcorp Genetics (formerly Invitae), Labcorp); PubMed 32901917 (cited by Ambry Genetics); PubMed 12807981 (cited by 3billion); PubMed 16944272 (cited by Labcorp Genetics (formerly Invitae), Labcorp); PubMed 27999334 (cited by Labcorp Genetics (formerly Invitae), Labcorp).